The following is an entry in ClinVar:

ClinVar aggregate classification (germline): Uncertain significance. Review status: criteria provided, multiple submitters, no conflicts (2 of 4 stars). 2 submissions from 2 submitters: Uncertain significance (2). Last evaluated 2025-04-07.

gnomAD v4.1: 2 of 1,614,032 alleles (0.00012%); highest among the groups gnomAD compares: Non-Finnish European, 0.000085%; no homozygotes.

Submissions (2):

Labcorp Genetics (formerly Invitae), Labcorp
Classification: Uncertain significance. Last evaluated: 2025-04-07. Review status: criteria provided, single submitter. Criteria: Invitae Variant Classification Sherloc (09022015). Collection method: clinical testing. Allele origin: germline.
Comment: This sequence change replaces glutamine, which is neutral and polar, with arginine, which is basic and polar, at codon 1462 of the CACNA1E protein (p.Gln1462Arg). This variant is not present in population databases (gnomAD no frequency). This variant has not been reported in the literature in individuals affected with CACNA1E-related conditions. Invitae Evidence Modeling of protein sequence and biophysical properties (such as structural, functional, and spatial information, amino acid conservation, physicochemical variation, residue mobility, and thermodynamic stability) has been performed for this missense variant. However, the output from this modeling did not meet the statistical confidence thresholds required to predict the impact of this variant on CACNA1E protein function. In summary, the available evidence is currently insufficient to determine the role of this variant in disease. Therefore, it has been classified as a Variant of Uncertain Significance.

Blueprint Genetics
Classification: Uncertain significance. Last evaluated: 2024-08-30. Review status: criteria provided, single submitter. Criteria: ACMG Guidelines, 2015. Collection method: clinical testing. Allele origin: germline.

NM_001205293.3(CACNA1E):c.4385A>G (p.Gln1462Arg)

Gene: CACNA1E (calcium voltage-gated channel subunit alpha1 E; plus strand). Cytogenetic location: 1q25.3.
Variant type: single nucleotide variant.
Coding change: c.4385A>G on transcript NM_001205293.3 (MANE Select); coding-DNA position 4385, A replaced by G.
Protein change: p.Gln1462Arg; replaces glutamine 1462 with arginine.
Molecular consequence: missense variant.
Genome position (GRCh38, 1-based): chr1:181,758,002, A>G. VCF-style: chr1-181758002-A-G. GRCh37 (hg19) VCF-style: chr1-181727138-A-G.
Other names: c.4385A>G, p.Gln1462Arg (NM_000721.4); c.4328A>G, p.Gln1443Arg (NM_001205294.2); short protein forms Q1443R, Q1462R.
Identifiers: ClinVar variation 4806742 (VCV004806742.2).